The following is an entry in ClinVar:

NM_004415.4(DSP):c.1954A>G (p.Asn652Asp)

Gene: DSP (desmoplakin; plus strand). Cytogenetic location: 6p24.3.
Variant type: single nucleotide variant.
Coding change: c.1954A>G on transcript NM_004415.4 (MANE Select); coding-DNA position 1954, A replaced by G.
Protein change: p.Asn652Asp; replaces asparagine 652 with aspartic acid.
Molecular consequence: missense variant.
Genome position (GRCh38, 1-based): chr6:7,571,892, A>G. VCF-style: chr6-7571892-A-G. GRCh37 (hg19) VCF-style: chr6-7572125-A-G.
Other names: c.1954A>G, p.Asn652Asp (NM_001008844.3, NM_001319034.2); short protein forms N652D.
Identifiers: ClinVar variation 3073142 (VCV003073142.1), dbSNP rs2533896382, ClinGen allele CA362680176.

ClinVar aggregate classification (germline): Uncertain significance (1 of 4 stars; one submission).

Conditions:
Arrhythmogenic cardiomyopathy with wooly hair and keratoderma. Also called: PALMOPLANTAR KERATODERMA WITH LEFT VENTRICULAR CARDIOMYOPATHY AND WOOLLY HAIR; Carvajal syndrome; Dilated cardiomyopathy with woolly hair and keratoderma; Arrhythmogenic cardiomyopathy with woolly hair and keratoderma. Identifiers: Orphanet 65282, MedGen C1854063, MONDO:0011581, OMIM 605676.

Allele frequency attached by ClinVar (database versions not stated): gnomAD exomes below 0.00001.
gnomAD v4.1: 1 of 1,614,016 alleles (0.000062%); highest among the groups gnomAD compares: Non-Finnish European, 0.000085%; no homozygotes.

Submission:

All of Us Research Program, National Institutes of Health
Classification: Uncertain significance for Arrhythmogenic cardiomyopathy with wooly hair and keratoderma. Last evaluated: 2023-08-23. Review status: criteria provided, single submitter. Criteria: ACMG Guidelines, 2015. Collection method: clinical testing. Allele origin: germline. Inheritance: Autosomal dominant inheritance. Observed: 1 variant allele, 1 heterozygote.
Comment: This missense variant replaces asparagine with aspartic acid at codon 652 of the DSP protein. Computational prediction suggests that this variant may not impact protein structure and function (internally defined REVEL score threshold <= 0.5, PMID: 27666373). To our knowledge, functional studies have not been reported for this variant. This variant has not been reported in individuals affected with DSP-related disorders in the literature. This variant has not been identified in the general population by the Genome Aggregation Database (gnomAD). The available evidence is insufficient to determine the role of this variant in disease conclusively. Therefore, this variant is classified as a Variant of Uncertain Significance.

This study involves interpretation of variants in research participants for the purpose of population health screening. Participant phenotype was not available at the time of variant classification. Additional details can be found in publication PMID: 35346344, PMCID: PMC8962531